The following is an entry in ClinVar:

NM_000283.4(PDE6B):c.572T>C (p.Met191Thr)

Gene: PDE6B (phosphodiesterase 6B; plus strand). Cytogenetic location: 4p16.3.
Variant type: single nucleotide variant.
Coding change: c.572T>C on transcript NM_000283.4 (MANE Select); coding-DNA position 572, T replaced by C.
Protein change: p.Met191Thr; replaces methionine 191 with threonine.
Molecular consequence: missense variant.
Genome position (GRCh38, 1-based): chr4:634,780, T>C. VCF-style: chr4-634780-T-C. GRCh37 (hg19) VCF-style: chr4-628569-T-C.
Other names: c.572T>C, p.Met191Thr (NM_001145291.2); short protein forms M191T.
Identifiers: ClinVar variation 3649038 (VCV003649038.2).

ClinVar aggregate classification (germline): Uncertain significance (1 of 4 stars; one submission).

Submission:

Labcorp Genetics (formerly Invitae), Labcorp
Classification: Uncertain significance. Last evaluated: 2024-04-06. Review status: criteria provided, single submitter. Criteria: Invitae Variant Classification Sherloc (09022015). Collection method: clinical testing. Allele origin: germline.
Comment: This sequence change replaces methionine, which is neutral and non-polar, with threonine, which is neutral and polar, at codon 191 of the PDE6B protein (p.Met191Thr). This variant is not present in population databases (gnomAD no frequency). This variant has not been reported in the literature in individuals affected with PDE6B-related conditions. Advanced modeling of protein sequence and biophysical properties (such as structural, functional, and spatial information, amino acid conservation, physicochemical variation, residue mobility, and thermodynamic stability) has been performed at Invitae for this missense variant, however the output from this modeling did not meet the statistical confidence thresholds required to predict the impact of this variant on PDE6B protein function. In summary, the available evidence is currently insufficient to determine the role of this variant in disease. Therefore, it has been classified as a Variant of Uncertain Significance.